The following is an entry in ClinVar:

NM_015512.5(DNAH1):c.7436G>A (p.Arg2479Gln)

Gene: DNAH1 (dynein axonemal heavy chain 1; plus strand). Cytogenetic location: 3p21.1.
Variant type: single nucleotide variant.
Coding change: c.7436G>A on transcript NM_015512.5 (MANE Select); coding-DNA position 7436, G replaced by A.
Protein change: p.Arg2479Gln; replaces arginine 2479 with glutamine.
Molecular consequence: missense variant.
Genome position (GRCh38, 1-based): chr3:52,379,963, G>A. VCF-style: chr3-52379963-G-A. GRCh37 (hg19) VCF-style: chr3-52413979-G-A.
Other names: short protein forms R2479Q.
Identifiers: ClinVar variation 1009932 (VCV001009932.5), dbSNP rs763423150, ClinGen allele CA2434888.

ClinVar aggregate classification (germline): Uncertain significance (1 of 4 stars; one submission).

Conditions:
Spermatogenic failure 18. Identifiers: MedGen C4539783, MONDO:0054615, OMIM 617576.
Ciliary dyskinesia, primary, 37 (CILD37). Also called: CILIARY DYSKINESIA, PRIMARY, 37, WITH OR WITHOUT SITUS INVERSUS. Identifiers: MedGen C4539798, MONDO:0033204, OMIM 617577.

Allele frequency attached by ClinVar (database versions not stated): TOPMed 0.00002; gnomAD exomes 0.00002 and 0.00003; ExAC 0.00013.
gnomAD v4.1: 30 of 1,584,154 alleles (0.0019%); highest among the groups gnomAD compares: Middle Eastern, 0.017%; no homozygotes.

Submission:

Labcorp Genetics (formerly Invitae), Labcorp
Classification: Uncertain significance for Ciliary dyskinesia, primary, 37; Spermatogenic failure 18. Last evaluated: 2023-08-24. Review status: criteria provided, single submitter. Criteria: Invitae Variant Classification Sherloc (09022015). Collection method: clinical testing. Allele origin: germline.
Comment: ClinVar contains an entry for this variant (Variation ID: 1009932). This variant has not been reported in the literature in individuals affected with DNAH1-related conditions. The frequency data for this variant in the population databases is considered unreliable, as metrics indicate poor data quality at this position in the gnomAD database. This sequence change replaces arginine, which is basic and polar, with glutamine, which is neutral and polar, at codon 2479 of the DNAH1 protein (p.Arg2479Gln). Advanced modeling of protein sequence and biophysical properties (such as structural, functional, and spatial information, amino acid conservation, physicochemical variation, residue mobility, and thermodynamic stability) performed at Invitae indicates that this missense variant is expected to disrupt DNAH1 protein function. In summary, the available evidence is currently insufficient to determine the role of this variant in disease. Therefore, it has been classified as a Variant of Uncertain Significance.